The following is an entry in ClinVar:

NM_001267550.2(TTN):c.103737_103738insCA (p.Met34580fs)

Genes: TTN (titin; minus strand), TTN-AS1 (TTN antisense RNA 1; plus strand). Cytogenetic location: 2q31.2.
Variant type: Insertion.
Coding change: c.103737_103738insCA on transcript NM_001267550.2 (MANE Select); coding-DNA positions 103737 to 103738, CA inserted.
Protein change: p.Met34580fs; shifts the reading frame from methionine 34580.
Molecular consequence: frameshift variant.
Genome position: GRCh38 VCF-style: chr2-178532877-T-TTG. GRCh37 (hg19) VCF-style: chr2-179397604-T-TTG.
Other names: c.98814_98815insCA, p.Met32939fs (NM_001256850.1); c.76542_76543insCA, p.Met25515fs (NM_003319.4); c.96033_96034insCA, p.Met32012fs (NM_133378.4); c.76917_76918insCA, p.Met25640fs (NM_133432.3); c.77118_77119insCA, p.Met25707fs (NM_133437.4); short protein forms M25640fs, M25707fs, M34580fs, M32939fs, M25515fs, M32012fs.
Identifiers: ClinVar variation 1509508 (VCV001509508.8), dbSNP rs2154134687, ClinGen allele CA2573134069.
Genomic context (GRCh38, chr2:178,532,877, plus strand): 5'-ATCTTGAAAGGCGGATGCGCTTGGGTCGTTTCTGTACAACTCTGTCAAGTTTCCCAGGCA[T>TTG]TTCATACTGATCACGTATCTTTTTATACCACTTCATGTCAGACATGGGCACGAACTGCTT-3'

ClinVar aggregate classification (germline): Pathogenic (1 of 4 stars; one submission).

Conditions:
Dilated cardiomyopathy 1G (CMD1G). Identifiers: Orphanet 154, MedGen C1858763, MONDO:0011400, OMIM 604145.
Autosomal recessive limb-girdle muscular dystrophy type 2J (LGMDR10). Also called: Limb-girdle muscular dystrophy, type 2J; MUSCULAR DYSTROPHY, LIMB-GIRDLE, AUTOSOMAL RECESSIVE 10. Identifiers: Orphanet 140922, MedGen C1837342, MONDO:0012127, OMIM 608807.

Submission:

Labcorp Genetics (formerly Invitae), Labcorp
Classification: Pathogenic for Dilated cardiomyopathy 1G; Autosomal recessive limb-girdle muscular dystrophy type 2J. Last evaluated: 2025-07-21. Review status: criteria provided, single submitter. Criteria: Invitae Variant Classification Sherloc (09022015). Collection method: clinical testing. Allele origin: germline.
Comment: This sequence change creates a premature translational stop signal (p.Met34580Glnfs*27) in the TTN gene. While this is not anticipated to result in nonsense mediated decay, it is expected to create a truncated TTN protein. This variant is not present in population databases (gnomAD no frequency). This premature translational stop signal has been observed in individual(s) with clinical features of limb-girdle muscular dystrophy (internal data). In at least one individual the data is consistent with being in trans (on the opposite chromosome) from a pathogenic variant. ClinVar contains an entry for this variant (Variation ID: 1509508). This variant is located in the M band of TTN (PMID: 25589632). Truncating variants in this region have been previously reported in individuals affected with autosomal dominant or autosomal recessive myopathy and muscular dystrophy (PMID: 18948003, 23975875, 24395473). Truncating variants in this region have also been identified in individuals affected with autosomal dominant dilated cardiomyopathy and/or cardio-related conditions (PMID: 27869827, 32964742, internal data). For these reasons, this variant has been classified as Pathogenic.

Literature cited by the submitters: PubMed 25589632; PubMed 18948003; PubMed 23975875; PubMed 24395473; PubMed 27869827; PubMed 32964742.